The following is an entry in ClinVar:

NM_000138.5(FBN1):c.5546A>G (p.Asp1849Gly)

Gene: FBN1 (fibrillin 1; minus strand). Cytogenetic location: 15q21.1.
Variant type: single nucleotide variant.
Coding change: c.5546A>G on transcript NM_000138.5 (MANE Select); coding-DNA position 5546, A replaced by G.
Protein change: p.Asp1849Gly; replaces aspartic acid 1849 with glycine.
Molecular consequence: missense variant.
Genome position (GRCh38, 1-based): chr15:48,448,893, T>C on the plus strand (A>G on the coding strand, the complement: FBN1 is on the minus strand). VCF-style: chr15-48448893-T-C. GRCh37 (hg19) VCF-style: chr15-48741090-T-C.
Other names: c.5546A>G, p.Asp1849Gly (NM_001406716.1); short protein forms D1849G.
Identifiers: ClinVar variation 3894238 (VCV003894238.1).

ClinVar aggregate classification (germline): Uncertain significance (1 of 4 stars; one submission).

Conditions:
Familial thoracic aortic aneurysm and aortic dissection (TAAD). Also called: Thoracic aortic aneurysms and dissections. Identifiers: Orphanet 91387, MedGen C4707243, MONDO:0019625.

Submission:

Color Diagnostics, LLC DBA Color Health
Classification: Uncertain significance for Familial thoracic aortic aneurysm and aortic dissection. Last evaluated: 2025-03-03. Review status: criteria provided, single submitter. Criteria: ACMG Guidelines, 2015. Collection method: clinical testing. Allele origin: germline.
Comment: This missense variant replaces aspartic acid with glycine at codon 1849 of the FBN1 protein. This variant changes the first aspartic acid residue in the calcium-binding consensus sequence D/N-x-D/N-E/Q- Xm-D/N-Xn-Y/F in a cbEGF-like domain of the FBN1 protein and is expected to adversely affect FBN1 protein function (PMID: 31227806). Computational prediction suggests that this variant may have a deleterious impact on protein structure and function. To our knowledge, functional studies have not been reported for this variant. This variant has not been reported in individuals affected with FBN1-related disorders in the literature. This variant has been identified in 1/250500 chromosomes in the general population by the Genome Aggregation Database (gnomAD). The available evidence is insufficient to determine the role of this variant in disease conclusively. Therefore, this variant is classified as a Variant of Uncertain Significance.

Literature cited by the submitters: PubMed 31227806.